The following is an entry in ClinVar:

ClinVar aggregate classification (germline): Likely pathogenic (1 of 4 stars; one submission).

Conditions:
Melnick-Fraser syndrome (BOR). Also called: Branchiootorenal Syndrome (BORS); Branchiootorenal syndrome; Branchio-oto-renal syndrome. Identifiers: Orphanet 107, MedGen C0265234, MONDO:0007029.

Submission:

Labcorp Genetics (formerly Invitae), Labcorp
Classification: Likely pathogenic for Melnick-Fraser syndrome. Last evaluated: 2021-08-11. Review status: criteria provided, single submitter. Criteria: Invitae Variant Classification Sherloc (09022015). Collection method: clinical testing. Allele origin: germline.
Comment: In summary, the currently available evidence indicates that the variant is pathogenic, but additional data are needed to prove that conclusively. Therefore, this variant has been classified as Likely Pathogenic. Algorithms developed to predict the effect of sequence changes on RNA splicing suggest that this variant may disrupt the consensus splice site. This variant has not been reported in the literature in individuals affected with EYA1-related conditions. This variant is not present in population databases (ExAC no frequency). This sequence change affects an acceptor splice site in intron 14 of the EYA1 gene. It is expected to disrupt RNA splicing. Variants that disrupt the donor or acceptor splice site typically lead to a loss of protein function (PMID: 16199547), and loss-of-function variants in EYA1 are known to be pathogenic (PMID: 10464653, 18220287).

Literature cited by the submitters: PubMed 16199547; PubMed 10464653; PubMed 18220287.

NM_000503.6(EYA1):c.1361-2A>G

Gene: EYA1 (EYA transcriptional coactivator and phosphatase 1; minus strand). Cytogenetic location: 8q13.3.
Variant type: single nucleotide variant.
Coding change: c.1361-2A>G on transcript NM_000503.6 (MANE Select); the canonical splice acceptor site of the intron before coding-DNA position 1361, A replaced by G.
Molecular consequence: splice acceptor variant.
Genome position (GRCh38, 1-based): chr8:71,215,730, T>C on the plus strand (A>G on the coding strand, the complement: EYA1 is on the minus strand). VCF-style: chr8-71215730-T-C. GRCh37 (hg19) VCF-style: chr8-72127965-T-C.
Other names: c.1340-2A>G (NM_001370336.1); c.1448-2A>G (NM_001370333.1); c.1361-2A>G (NM_001370335.1, NM_001370334.1, NM_172058.4); c.1343-2A>G (NM_172059.5, NM_001288574.2); c.1262-2A>G (NM_001411797.1, NM_172060.4); c.995-2A>G (NM_001288575.2).
Identifiers: ClinVar variation 1508111 (VCV001508111.6), dbSNP rs2128851194, ClinGen allele CA371466557.